The following is an entry in ClinVar:

NM_000070.3(CAPN3):c.477C>T (p.Tyr159=)

Genes: CAPN3 (calpain 3; plus strand), LOC126862115 (BRD4-independent group 4 enhancer GRCh37_chr15:42677734-42678933; plus strand). Cytogenetic location: 15q15.1.
Variant type: single nucleotide variant.
Coding change: c.477C>T on transcript NM_000070.3 (MANE Select); coding-DNA position 477, C replaced by T.
Protein change: p.Tyr159=; no amino-acid change (tyrosine 159 retained).
Molecular consequence: synonymous variant.
Genome position (GRCh38, 1-based): chr15:42,386,264, C>T. VCF-style: chr15-42386264-C-T. GRCh37 (hg19) VCF-style: chr15-42678462-C-T.
Other names: c.477C>T, p.Tyr159= (NM_024344.2, NM_173087.2).
Identifiers: ClinVar variation 1038748 (VCV001038748.11), dbSNP rs1401194449, ClinGen allele CA489878607.

ClinVar aggregate classification (germline): Uncertain significance. Review status: criteria provided, multiple submitters, no conflicts (2 of 4 stars). 3 submissions from 3 submitters: Uncertain significance (2). 1 of the submissions does not count toward it. Last evaluated 2022-10-11.

Conditions:
Autosomal recessive limb-girdle muscular dystrophy type 2A (LGMDR1). Also called: Calpainopathy; LEYDEN-MOEBIUS MUSCULAR DYSTROPHY; MUSCULAR DYSTROPHY, PELVOFEMORAL; Muscular dystrophy, limb-girdle, type 2A, Amish; Limb-girdle muscular dystrophy, type 2A. Identifiers: Orphanet 267, MedGen C1869123, MONDO:0009675, OMIM 253600. Disease mechanism: loss of function.

Allele frequency attached by ClinVar (database versions not stated): gnomAD exomes below 0.00001; gnomAD 0.00001.

Submissions (3):

Labcorp Genetics (formerly Invitae), Labcorp
Classification: Uncertain significance for Autosomal recessive limb-girdle muscular dystrophy type 2A. Last evaluated: 2022-10-11. Review status: criteria provided, single submitter. Criteria: Invitae Variant Classification Sherloc (09022015). Collection method: clinical testing. Allele origin: germline.
Comment: This sequence change affects codon 159 of the CAPN3 mRNA. It is a 'silent' change, meaning that it does not change the encoded amino acid sequence of the CAPN3 protein. This variant is present in population databases (no rsID available, gnomAD 0.004%). This variant has been observed in individual(s) with autosomal recessive distal myopathy (PMID: 25783436). In at least one individual the data is consistent with being in trans (on the opposite chromosome) from a pathogenic variant. ClinVar contains an entry for this variant (Variation ID: 1038748). Studies have shown that this variant is associated with altered splicing resulting in multiple RNA products (PMID: 25783436). In summary, the available evidence is currently insufficient to determine the role of this variant in disease. Therefore, it has been classified as a Variant of Uncertain Significance.

Revvity Omics, Revvity
Classification: Uncertain significance. Last evaluated: 2022-04-29. Review status: criteria provided, single submitter. Criteria: ACMG Guidelines, 2015. Collection method: clinical testing. Allele origin: germline.

Natera, Inc.
Classification: Uncertain significance for Limb-girdle muscular dystrophy type 2A. Last evaluated: 2020-09-01. Review status: no assertion criteria provided. Collection method: clinical testing. Allele origin: germline. Not counted in ClinVar's aggregate classification.

Literature cited by the submitters: PubMed 25783436 (cited by Labcorp Genetics (formerly Invitae), Labcorp).